The following is an entry in ClinVar:

NM_001349253.2(SCN11A):c.5124A>G (p.Glu1708=)

Gene: SCN11A (sodium voltage-gated channel alpha subunit 11; minus strand). Cytogenetic location: 3p22.2.
Variant type: single nucleotide variant.
Coding change: c.5124A>G on transcript NM_001349253.2 (MANE Select); coding-DNA position 5124, A replaced by G.
Protein change: p.Glu1708=; no amino-acid change (glutamic acid 1708 retained).
Molecular consequence: synonymous variant.
Genome position (GRCh38, 1-based): chr3:38,846,946, T>C on the plus strand (A>G on the coding strand, the complement: SCN11A is on the minus strand). VCF-style: chr3-38846946-T-C. GRCh37 (hg19) VCF-style: chr3-38888437-T-C.
Other names: c.5124A>G, p.Glu1708= (NM_014139.3).
Identifiers: ClinVar variation 703232 (VCV000703232.31), dbSNP rs534882975, ClinGen allele CA2321391.

ClinVar aggregate classification (germline): Likely benign. Review status: criteria provided, multiple submitters, no conflicts (2 of 4 stars). 3 submissions from 3 submitters: Likely benign (3). Last evaluated 2025-11-21.

Conditions:
SCN11A-related disorder. Also called: SCN11A-related condition.
Familial episodic pain syndrome with predominantly lower limb involvement. Also called: Episodic pain syndrome, familial, 3. Identifiers: Orphanet 391384, Orphanet 391392, MedGen C3809899, MONDO:0014247, OMIM 615552.
Hereditary sensory and autonomic neuropathy type 7. Also called: HSAN VII; Neuropathy, hereditary sensory and autonomic, type VII. Identifiers: Orphanet 391397, MedGen C3809882, MONDO:0014244, OMIM 615548.

Allele frequency attached by ClinVar (database versions not stated): gnomAD exomes 0.00005 and 0.00004; TOPMed 0.00002; ExAC 0.00005.
gnomAD v4.1: 69 of 1,614,042 alleles (0.0043%); highest among the groups gnomAD compares: Non-Finnish European, 0.0056%; no homozygotes.

Submissions (3):

PreventionGenetics, part of Exact Sciences
Classification: Likely benign for SCN11A-related condition. Last evaluated: 2025-11-21. Review status: criteria provided, single submitter. Criteria: ACMG Guidelines, 2015. Collection method: clinical testing. Allele origin: germline.
Comment: This variant is classified as likely benign based on ACMG/AMP sequence variant interpretation guidelines (Richards et al. 2015 PMID: 25741868, with internal and published modifications).

Labcorp Genetics (formerly Invitae), Labcorp
Classification: Likely benign for Familial episodic pain syndrome with predominantly lower limb involvement; Hereditary sensory and autonomic neuropathy type 7. Last evaluated: 2023-03-08. Review status: criteria provided, single submitter. Criteria: Invitae Variant Classification Sherloc (09022015). Collection method: clinical testing. Allele origin: germline.

CeGaT Center for Human Genetics Tuebingen
Classification: Likely benign. Last evaluated: 2023-03-01. Review status: criteria provided, single submitter. Criteria: CeGaT Center For Human Genetics Tuebingen Variant Classification Criteria Version 2. Collection method: clinical testing. Allele origin: germline. Affected: yes. Observed: 1 variant allele.
Comment: SCN11A: BP4, BP7